The following is an entry in ClinVar:

ClinVar aggregate classification (germline): Uncertain significance (1 of 4 stars; one submission).

Conditions:
Mitochondrial complex V (ATP synthase) deficiency, nuclear type 2. Also called: MITOCHONDRIAL COMPLEX V (ATP SYNTHASE) DEFICIENCY, TMEM70 TYPE; ENCEPHALOCARDIOMYOPATHY, MITOCHONDRIAL, NEONATAL, DUE TO ATP SYNTHASE DEFICIENCY; Nuclear-Encoded ATPase Deficiency, TMEM70-Related. Identifiers: Orphanet 1194, MedGen C3279699, MONDO:0013546, OMIM 614052.

Allele frequency attached by ClinVar (database versions not stated): ExAC 0.00001; gnomAD exomes 0.00001.
gnomAD v4.1: 7 of 1,600,894 alleles (0.00044%); highest among the groups gnomAD compares: South Asian, 0.0033%; no homozygotes.

Submission:

Labcorp Genetics (formerly Invitae), Labcorp
Classification: Uncertain significance for Mitochondrial complex V (ATP synthase) deficiency, nuclear type 2. Last evaluated: 2025-08-11. Review status: criteria provided, single submitter. Criteria: Invitae Variant Classification Sherloc (09022015). Collection method: clinical testing. Allele origin: germline.
Comment: This sequence change replaces proline, which is neutral and non-polar, with leucine, which is neutral and non-polar, at codon 15 of the TMEM70 protein (p.Pro15Leu). This variant is present in population databases (rs768462177, gnomAD 0.003%). This variant has not been reported in the literature in individuals affected with TMEM70-related conditions. ClinVar contains an entry for this variant (Variation ID: 1389236). An algorithm developed to predict the effect of missense changes on protein structure and function (PolyPhen-2) suggests that this variant is likely to be tolerated. In summary, the available evidence is currently insufficient to determine the role of this variant in disease. Therefore, it has been classified as a Variant of Uncertain Significance.

NM_017866.6(TMEM70):c.44C>T (p.Pro15Leu)

Gene: TMEM70 (transmembrane protein 70; plus strand). Cytogenetic location: 8q21.11.
Variant type: single nucleotide variant.
Coding change: c.44C>T on transcript NM_017866.6 (MANE Select); coding-DNA position 44, C replaced by T.
Protein change: p.Pro15Leu; replaces proline 15 with leucine.
Molecular consequence: missense variant. On other transcripts: non-coding transcript variant (1).
Genome position (GRCh38, 1-based): chr8:73,976,325, C>T. VCF-style: chr8-73976325-C-T. GRCh37 (hg19) VCF-style: chr8-74888560-C-T.
Other names: c.44C>T, p.Pro15Leu (NM_001040613.3); short protein forms P15L.
Identifiers: ClinVar variation 1389236 (VCV001389236.6), dbSNP rs768462177, ClinGen allele CA4783931.
Genomic context (GRCh38, chr8:73,976,325, plus strand): 5'-CGCTCGTCACCCGCGTGATGCTGTTTCTGGCGTTGGGCAGCCCGTGGGCGGTCGAACTGC[C>T]TCTCTGCGGAAGGAGGACTGCATTGTGTGCGGCCGCCGCGCTCCGAGGTCCCCGGGCCTC-3'
Protein context (NP_060336.3, residues 5-25): ALGSPWAVEL[Pro15Leu]LCGRRTALCA